The following is an entry in ClinVar:

NM_001039591.3(USP9X):c.5556G>T (p.Gln1852His)

Gene: USP9X (ubiquitin specific peptidase 9 X-linked; plus strand). Cytogenetic location: Xp11.4.
Variant type: single nucleotide variant.
Coding change: c.5556G>T on transcript NM_001039591.3 (MANE Select); coding-DNA position 5556, G replaced by T.
Protein change: p.Gln1852His; replaces glutamine 1852 with histidine.
Molecular consequence: missense variant.
Genome position (GRCh38, 1-based): chrX:41,216,123, G>T. VCF-style: chrX-41216123-G-T. GRCh37 (hg19) VCF-style: chrX-41075376-G-T.
Other names: c.5556G>T, p.Gln1852His (NM_001039590.3); c.5571G>T, p.Gln1857His (NM_001410748.1, NM_001410749.1, NM_001437534.1); short protein forms Q1852H, Q1857H.
Identifiers: ClinVar variation 4086762 (VCV004086762.1).

ClinVar aggregate classification (germline): Uncertain significance (1 of 4 stars; one submission).

Submission:

GeneDx
Classification: Uncertain significance. Last evaluated: 2025-03-19. Review status: criteria provided, single submitter. Criteria: GeneDx Variant Classification Process June 2021. Collection method: clinical testing. Allele origin: germline. Affected: yes.
Comment: Not observed at significant frequency in large population cohorts (gnomAD); In silico analysis indicates that this missense variant does not alter protein structure/function; Has not been previously published as pathogenic or benign to our knowledge